The following is an entry in ClinVar:

NM_001276277.3(PPIP5K2):c.3695C>T (p.Thr1232Met)

Gene: PPIP5K2 (diphosphoinositol pentakisphosphate kinase 2; plus strand). Cytogenetic location: 5q21.1.
Variant type: single nucleotide variant.
Coding change: c.3695C>T on transcript NM_001276277.3 (MANE Select); coding-DNA position 3695, C replaced by T.
Protein change: p.Thr1232Met; replaces threonine 1232 with methionine.
Molecular consequence: missense variant.
Genome position (GRCh38, 1-based): chr5:103,201,597, C>T. VCF-style: chr5-103201597-C-T. GRCh37 (hg19) VCF-style: chr5-102537298-C-T.
Other names: c.3800C>T, p.Thr1267Met (NM_001281471.3); c.3521C>T, p.Thr1174Met (NM_001345871.2); c.3566C>T, p.Thr1189Met (NM_001345872.2); c.3692C>T, p.Thr1231Met (NM_001345873.2); c.3458C>T, p.Thr1153Met (NM_001345874.2); c.3338C>T, p.Thr1113Met (NM_001345875.2); c.3512C>T, p.Thr1171Met (NM_001345876.2); c.3335C>T, p.Thr1112Met (NM_001345877.2); and 2 more; short protein forms T1112M, T1113M, T1153M, T1170M, T1171M, T1174M, T1189M, T1211M.
Identifiers: ClinVar variation 1297810 (VCV001297810.2), dbSNP rs17155147, ClinGen allele CA3360787.

ClinVar aggregate classification (germline): Benign (1 of 4 stars; one submission).

Allele frequency attached by ClinVar (database versions not stated): 1000 Genomes Project 30x 0.01718; 1000 Genomes Project 0.01817; TOPMed 0.03475; gnomAD exomes 0.03599 and 0.04156; gnomAD 0.03664 and 0.03827; ESP Exome Variant Server 0.03675; ExAC 0.03774.
gnomAD v4.1: 65,791 of 1,605,666 alleles (4.1%); highest among the groups gnomAD compares: Non-Finnish European, 4.5%; 1,481 homozygotes.

Submission:

GeneDx
Classification: Benign. Last evaluated: 2021-05-05. Review status: criteria provided, single submitter. Criteria: GeneDx Variant Classification Process June 2021. Collection method: clinical testing. Allele origin: germline. Affected: yes.
Comment: This variant is associated with the following publications: (PMID: 24464100)